The following is an entry in ClinVar:

ClinVar aggregate classification (germline): Uncertain significance (1 of 4 stars; one submission).

gnomAD v4.1: 2 of 1,614,190 alleles (0.00012%); highest among the groups gnomAD compares: Non-Finnish European, 0.00017%; no homozygotes.

Submission:

GeneDx
Classification: Uncertain significance. Last evaluated: 2024-04-22. Review status: criteria provided, single submitter. Criteria: GeneDx Variant Classification Process June 2021. Collection method: clinical testing. Allele origin: germline. Affected: yes.
Comment: Not observed at significant frequency in large population cohorts (gnomAD); In silico analysis indicates that this missense variant does not alter protein structure/function; Has not been previously published as pathogenic or benign to our knowledge

NM_006946.4(SPTBN2):c.6468G>C (p.Gln2156His)

Gene: SPTBN2 (spectrin beta, non-erythrocytic 2; minus strand). Cytogenetic location: 11q13.2.
Variant type: single nucleotide variant.
Coding change: c.6468G>C on transcript NM_006946.4 (MANE Select); coding-DNA position 6468, G replaced by C.
Protein change: p.Gln2156His; replaces glutamine 2156 with histidine.
Molecular consequence: missense variant.
Genome position (GRCh38, 1-based): chr11:66,687,901, C>G on the plus strand (G>C on the coding strand, the complement: SPTBN2 is on the minus strand). VCF-style: chr11-66687901-C-G. GRCh37 (hg19) VCF-style: chr11-66455372-C-G.
Other names: c.6489G>C, p.Gln2163His (NM_001411025.1); short protein forms Q2156H, Q2163H.
Identifiers: ClinVar variation 3372672 (VCV003372672.1).